The following is an entry in ClinVar:

ClinVar aggregate classification (germline): Uncertain significance. Review status: criteria provided, multiple submitters, no conflicts (2 of 4 stars). 2 submissions from 2 submitters: Uncertain significance (2). Last evaluated 2026-01-14.

Conditions:
Ataxia-telangiectasia syndrome (AT). Also called: Ataxia-telangiectasia, complementation group D; AT, COMPLEMENTATION GROUP C; ATAXIA-TELANGIECTASIA, COMPLEMENTATION GROUP A; ATAXIA-TELANGIECTASIA, FRESNO VARIANT; Ataxia-telangiectasia; Ataxia-telangiectasia, complementation group E. Identifiers: Orphanet 100, MedGen C0004135, MONDO:0008840, OMIM 208900.
Familial cancer of breast. Also called: hereditary breast carcinoma; BREAST CANCER, FAMILIAL; Hereditary breast cancer. Identifiers: Orphanet 227535, MedGen C0346153, MONDO:0016419, OMIM 114480. Disease mechanism: loss of function.

Submissions (2):

Helix
Classification: Uncertain significance for Familial cancer of breast. Last evaluated: 2026-01-14. Review status: criteria provided, single submitter. Criteria: ACMG Guidelines, 2015. Collection method: clinical testing. Allele origin: germline. Inheritance: Autosomal dominant inheritance.
Comment: This variant (NM_000051.4:c.4047G>A p.Met1349Ile) results in the substitution of methionine with isoleucine at codon 1349 in the ATM protein. It is a rare variant that is absent from the large gnomAD population database (v4.1). To our knowledge, this variant has not been reported in individuals with ATM-related conditions in the published literature. Functional studies assessing protein function are either insufficient or inconclusive (PMID: 40580951). In silico prediction from REVEL (PMID: 27666373) is indeterminate. This variant is present in ClinVar (Variation ID: 1007387). In conclusion, since the available evidence is limited, the clinical significance of this variant is unclear at this time. Therefore, it is classified as a Variant of Uncertain Significance.

Labcorp Genetics (formerly Invitae), Labcorp
Classification: Uncertain significance for Ataxia-telangiectasia syndrome. Last evaluated: 2025-05-27. Review status: criteria provided, single submitter. Criteria: Invitae Variant Classification Sherloc (09022015). Collection method: clinical testing. Allele origin: germline.
Comment: This sequence change replaces methionine, which is neutral and non-polar, with isoleucine, which is neutral and non-polar, at codon 1349 of the ATM protein (p.Met1349Ile). This variant is not present in population databases (gnomAD no frequency). This variant has not been reported in the literature in individuals affected with ATM-related conditions. ClinVar contains an entry for this variant (Variation ID: 1007387). Invitae Evidence Modeling of protein sequence and biophysical properties (such as structural, functional, and spatial information, amino acid conservation, physicochemical variation, residue mobility, and thermodynamic stability) indicates that this missense variant is not expected to disrupt ATM protein function with a negative predictive value of 95%. In summary, the available evidence is currently insufficient to determine the role of this variant in disease. Therefore, it has been classified as a Variant of Uncertain Significance.

NM_000051.4(ATM):c.4047G>A (p.Met1349Ile)

Gene: ATM (ATM serine/threonine kinase; plus strand). Cytogenetic location: 11q22.3.
Variant type: single nucleotide variant.
Coding change: c.4047G>A on transcript NM_000051.4 (MANE Select); coding-DNA position 4047, G replaced by A.
Protein change: p.Met1349Ile; replaces methionine 1349 with isoleucine.
Molecular consequence: missense variant.
Genome position (GRCh38, 1-based): chr11:108,287,653, G>A. VCF-style: chr11-108287653-G-A. GRCh37 (hg19) VCF-style: chr11-108158380-G-A.
Other names: c.4047G>A, p.Met1349Ile (NM_001351834.2); short protein forms M1349I.
Identifiers: ClinVar variation 1007387 (VCV001007387.11), dbSNP rs1555095931, ClinGen allele CA382527868.